The following is an entry in ClinVar:

NM_024915.4(GRHL2):c.104C>T (p.Ala35Val)

Gene: GRHL2 (grainyhead like transcription factor 2; plus strand). Cytogenetic location: 8q22.3.
Variant type: single nucleotide variant.
Coding change: c.104C>T on transcript NM_024915.4 (MANE Select); coding-DNA position 104, C replaced by T.
Protein change: p.Ala35Val; replaces alanine 35 with valine.
Molecular consequence: missense variant.
Genome position (GRCh38, 1-based): chr8:101,543,324, C>T. VCF-style: chr8-101543324-C-T. GRCh37 (hg19) VCF-style: chr8-102555552-C-T.
Other names: c.56C>T, p.Ala19Val (NM_001330593.2); short protein forms A19V, A35V.
Identifiers: ClinVar variation 3906610 (VCV003906610.1).

ClinVar aggregate classification (germline): Uncertain significance (1 of 4 stars; one submission).

Submission:

GeneDx
Classification: Uncertain significance. Last evaluated: 2024-12-16. Review status: criteria provided, single submitter. Criteria: GeneDx Variant Classification Process June 2021. Collection method: clinical testing. Allele origin: germline. Affected: yes.
Comment: Not observed at significant frequency in large population cohorts (gnomAD); In silico analysis supports that this missense variant has a deleterious effect on protein structure/function; Has not been previously published as pathogenic or benign to our knowledge